The following is an entry in ClinVar:

ClinVar aggregate classification (germline): Conflicting classifications of pathogenicity. Review status: criteria provided, conflicting classifications (1 of 4 stars). 2 submissions from 2 submitters: Uncertain significance (1); Likely benign (1). Last evaluated 2026-01-17.

Conditions:
Hereditary cancer-predisposing syndrome. Also called: Tumor predisposition; Hereditary neoplastic syndrome; Hereditary Cancer Syndrome; Neoplastic Syndromes, Hereditary. Identifiers: Orphanet 140162, MedGen C0027672, MeSH D009386, MONDO:0015356.

Submissions (2):

Labcorp Genetics (formerly Invitae), Labcorp
Classification: Uncertain significance. Last evaluated: 2026-01-17. Review status: criteria provided, single submitter. Criteria: Invitae Variant Classification Sherloc (09022015). Collection method: clinical testing. Allele origin: germline.
Comment: This sequence change replaces glycine, which is neutral and non-polar, with alanine, which is neutral and non-polar, at codon 8 of the NTHL1 protein (p.Gly8Ala). This variant is not present in population databases (gnomAD no frequency). This variant has not been reported in the literature in individuals affected with NTHL1-related conditions. ClinVar contains an entry for this variant (Variation ID: 3021387). An algorithm developed to predict the effect of missense changes on protein structure and function outputs the following: PolyPhen-2: "Benign". The alanine amino acid residue is found in multiple mammalian species, which suggests that this missense change does not adversely affect protein function. In summary, the available evidence is currently insufficient to determine the role of this variant in disease. Therefore, it has been classified as a Variant of Uncertain Significance.

Ambry Genetics
Classification: Likely benign for Hereditary cancer-predisposing syndrome. Last evaluated: 2025-11-07. Review status: criteria provided, single submitter. Criteria: Ambry Variant Classification Scheme 2023. Collection method: clinical testing. Allele origin: germline.

NM_002528.7(NTHL1):c.-2G>C

Gene: NTHL1 (nth like DNA glycosylase 1; minus strand). Cytogenetic location: 16p13.3.
Variant type: single nucleotide variant.
Coding change: c.-2G>C on transcript NM_002528.7 (MANE Select); 2 bases upstream of the start codon, G replaced by C.
Molecular consequence: 5 prime UTR variant.
Genome position (GRCh38, 1-based): chr16:2,047,825, C>G on the plus strand (G>C on the coding strand, the complement: NTHL1 is on the minus strand). VCF-style: chr16-2047825-C-G. GRCh37 (hg19) VCF-style: chr16-2097826-C-G.
Other names: c.23G>C (NM_002528.5); c.-2G>C (NM_001318193.2); c.-180G>C (NM_001318194.2).
Identifiers: ClinVar variation 3021387 (VCV003021387.4), dbSNP rs2084531474, ClinGen allele CA394298762.
Genomic context (GRCh38, chr16:2,047,825, plus strand): 5'-CCAGCCCCGGGTCCCAGGCTCCGGCTCCGGGTCAGCATCCTCGCGCTCAAGGCGGTCATG[C>G]CGGACTCCTGCGGACTACACATCCCGGCGGCCCATGCGGCCCCGTCACGTGATGCAAGGA-3'